The following is an entry in ClinVar:

NM_005236.3(ERCC4):c.2009G>A (p.Arg670Gln)

Gene: ERCC4 (ERCC excision repair 4, endonuclease catalytic subunit; plus strand). Cytogenetic location: 16p13.12.
Variant type: single nucleotide variant.
Coding change: c.2009G>A on transcript NM_005236.3 (MANE Select); coding-DNA position 2009, G replaced by A.
Protein change: p.Arg670Gln; replaces arginine 670 with glutamine.
Molecular consequence: missense variant.
Genome position (GRCh38, 1-based): chr16:13,944,827, G>A. VCF-style: chr16-13944827-G-A. GRCh37 (hg19) VCF-style: chr16-14038684-G-A.
Other names: c.2009G>A (NM_005236.2); short protein forms R670Q.
Identifiers: ClinVar variation 1448926 (VCV001448926.8), dbSNP rs56129764, ClinGen allele CA7910635.

ClinVar aggregate classification (germline): Uncertain significance. Review status: criteria provided, multiple submitters, no conflicts (2 of 4 stars). 3 submissions from 3 submitters: Uncertain significance (3). Last evaluated 2024-07-23.

Conditions:
Xeroderma pigmentosum, group F (XPF). Also called: XERODERMA PIGMENTOSUM, TYPE F; Xeroderma pigmentosum, type 6; ERCC4-Related Xeroderma Pigmentosum; XERODERMA PIGMENTOSUM VI; XP, GROUP F; XERODERMA PIGMENTOSUM, COMPLEMENTATION GROUP F. Identifiers: MedGen C0268140, MONDO:0010215, OMIM 278760.
Cockayne syndrome. Identifiers: Orphanet 191, MedGen C0009207, MONDO:0016006.
Fanconi anemia complementation group Q. Identifiers: Orphanet 84, MedGen C3808988, MONDO:0014108, OMIM 615272.
XFE progeroid syndrome (XFEPS). Also called: XPF-ERCC1 PROGEROID SYNDROME. Identifiers: MedGen C1970416, MONDO:0012590, OMIM 610965.
Inborn genetic diseases. Identifiers: MedGen C0950123, MeSH D030342.

Allele frequency attached by ClinVar (database versions not stated): gnomAD 0.00004 and 0.00005; ExAC 0.00005; gnomAD exomes 0.00005 and 0.00013; TOPMed 0.00005; 1000 Genomes Project 30x 0.00016; 1000 Genomes Project 0.00020.

Submissions (3):

Labcorp Genetics (formerly Invitae), Labcorp
Classification: Uncertain significance for Fanconi anemia complementation group Q; Xeroderma pigmentosum, group F; Cockayne syndrome. Last evaluated: 2024-07-23. Review status: criteria provided, single submitter. Criteria: Invitae Variant Classification Sherloc (09022015). Collection method: clinical testing. Allele origin: germline.
Comment: This sequence change replaces arginine, which is basic and polar, with glutamine, which is neutral and polar, at codon 670 of the ERCC4 protein (p.Arg670Gln). This variant is present in population databases (rs56129764, gnomAD 0.02%). This variant has not been reported in the literature in individuals affected with ERCC4-related conditions. ClinVar contains an entry for this variant (Variation ID: 1448926). Advanced modeling of protein sequence and biophysical properties (such as structural, functional, and spatial information, amino acid conservation, physicochemical variation, residue mobility, and thermodynamic stability) performed at Invitae indicates that this missense variant is expected to disrupt ERCC4 protein function with a positive predictive value of 80%. In summary, the available evidence is currently insufficient to determine the role of this variant in disease. Therefore, it has been classified as a Variant of Uncertain Significance.

Fulgent Genetics
Classification: Uncertain significance for Xeroderma pigmentosum, group F; XFE progeroid syndrome; Fanconi anemia complementation group Q. Last evaluated: 2022-02-22. Review status: criteria provided, single submitter. Criteria: ACMG Guidelines, 2015. Collection method: clinical testing. Allele origin: unknown.

Ambry Genetics
Classification: Uncertain significance for Inborn genetic diseases. Last evaluated: 2021-08-12. Review status: criteria provided, single submitter. Criteria: Ambry Variant Classification Scheme 2023. Collection method: clinical testing. Allele origin: germline.